The following is an entry in ClinVar:

ClinVar aggregate classification (germline): Uncertain significance. Review status: criteria provided, multiple submitters, no conflicts (2 of 4 stars). 4 submissions from 3 submitters: Uncertain significance (4). Last evaluated 2023-08-04.

Conditions:
Perrault syndrome 4 (PRLTS4). Identifiers: Orphanet 2855, MedGen C3809105, MONDO:0014126, OMIM 615300.
Hydrops-lactic acidosis-sideroblastic anemia-multisystemic failure syndrome. Also called: Hydrops, lactic acidosis, and sideroblastic anemia. Identifiers: Orphanet 528091, MedGen C4310761, MONDO:0014869, OMIM 617021.
Inborn genetic diseases. Identifiers: MedGen C0950123, MeSH D030342.

Allele frequency attached by ClinVar (database versions not stated): ExAC 0.00002; TOPMed 0.00011; gnomAD 0.00013; ESP Exome Variant Server 0.00015.
gnomAD v4.1: 43 of 1,614,132 alleles (0.0027%); highest among the groups gnomAD compares: African/African-American, 0.051%; no homozygotes.

Submissions (4):

Labcorp Genetics (formerly Invitae), Labcorp
Classification: Uncertain significance. Last evaluated: 2023-08-04. Review status: criteria provided, single submitter. Criteria: Invitae Variant Classification Sherloc (09022015). Collection method: clinical testing. Allele origin: germline.
Comment: In summary, the available evidence is currently insufficient to determine the role of this variant in disease. Therefore, it has been classified as a Variant of Uncertain Significance. Advanced modeling of protein sequence and biophysical properties (such as structural, functional, and spatial information, amino acid conservation, physicochemical variation, residue mobility, and thermodynamic stability) performed at Invitae indicates that this missense variant is expected to disrupt LARS2 protein function. ClinVar contains an entry for this variant (Variation ID: 2054175). This variant has not been reported in the literature in individuals affected with LARS2-related conditions. This variant is present in population databases (rs139067803, gnomAD 0.04%). This sequence change replaces serine, which is neutral and polar, with asparagine, which is neutral and polar, at codon 641 of the LARS2 protein (p.Ser641Asn).

Baylor Genetics
Classification: Uncertain significance for Perrault syndrome 4. Last evaluated: 2022-02-14. Review status: criteria provided, single submitter. Criteria: ACMG Guidelines, 2015. Collection method: clinical testing. Allele origin: unknown.

Baylor Genetics
Classification: Uncertain significance for Hydrops-lactic acidosis-sideroblastic anemia-multisystemic failure syndrome. Last evaluated: 2022-02-14. Review status: criteria provided, single submitter. Criteria: ACMG Guidelines, 2015. Collection method: clinical testing. Allele origin: unknown.

Ambry Genetics
Classification: Uncertain significance for Inborn genetic diseases. Last evaluated: 2021-07-02. Review status: criteria provided, single submitter. Criteria: Ambry Variant Classification Scheme 2023. Collection method: clinical testing. Allele origin: germline.

NM_015340.4(LARS2):c.1922G>A (p.Ser641Asn)

Gene: LARS2 (leucyl-tRNA synthetase 2, mitochondrial; plus strand). Cytogenetic location: 3p21.31.
Variant type: single nucleotide variant.
Coding change: c.1922G>A on transcript NM_015340.4 (MANE Select); coding-DNA position 1922, G replaced by A.
Protein change: p.Ser641Asn; replaces serine 641 with asparagine.
Molecular consequence: missense variant.
Genome position (GRCh38, 1-based): chr3:45,516,154, G>A. VCF-style: chr3-45516154-G-A. GRCh37 (hg19) VCF-style: chr3-45557646-G-A.
Other names: c.1922G>A, p.Ser641Asn (NM_001368263.1); short protein forms S641N.
Identifiers: ClinVar variation 2054175 (VCV002054175.4), dbSNP rs139067803, ClinGen allele CA2349726.